The following is an entry in ClinVar:

ClinVar aggregate classification (germline): Uncertain significance. Review status: criteria provided, multiple submitters, no conflicts (2 of 4 stars). 2 submissions from 2 submitters: Uncertain significance (2). Last evaluated 2024-05-01.

Conditions:
Hereditary cancer-predisposing syndrome. Also called: Neoplastic Syndromes, Hereditary; Tumor predisposition; Hereditary Cancer Syndrome; Hereditary neoplastic syndrome. Identifiers: Orphanet 140162, MedGen C0027672, MeSH D009386, MONDO:0015356.

gnomAD v4.1: 7 of 1,613,560 alleles (0.00043%); highest among the groups gnomAD compares: Non-Finnish European, 0.00059%; no homozygotes.

Submissions (2):

Labcorp Genetics (formerly Invitae), Labcorp
Classification: Uncertain significance. Last evaluated: 2024-05-01. Review status: criteria provided, single submitter. Criteria: Invitae Variant Classification Sherloc (09022015). Collection method: clinical testing. Allele origin: germline.
Comment: This sequence change replaces threonine, which is neutral and polar, with serine, which is neutral and polar, at codon 594 of the POLE protein (p.Thr594Ser). This variant is not present in population databases (gnomAD no frequency). This variant has not been reported in the literature in individuals affected with POLE-related conditions. ClinVar contains an entry for this variant (Variation ID: 1780003). Advanced modeling of protein sequence and biophysical properties (such as structural, functional, and spatial information, amino acid conservation, physicochemical variation, residue mobility, and thermodynamic stability) performed at Invitae indicates that this missense variant is not expected to disrupt POLE protein function with a negative predictive value of 80%. In summary, the available evidence is currently insufficient to determine the role of this variant in disease. Therefore, it has been classified as a Variant of Uncertain Significance.

Ambry Genetics
Classification: Uncertain significance for Hereditary cancer-predisposing syndrome. Last evaluated: 2022-01-27. Review status: criteria provided, single submitter. Criteria: Ambry Variant Classification Scheme 2023. Collection method: clinical testing. Allele origin: germline.
Comment: The p.T594S variant (also known as c.1781C>G), located in coding exon 16 of the POLE gene, results from a C to G substitution at nucleotide position 1781. The threonine at codon 594 is replaced by serine, an amino acid with similar properties. This amino acid position is conserved. In addition, this alteration is predicted to be tolerated by in silico analysis. Since supporting evidence is limited at this time, the clinical significance of this alteration remains unclear.

NM_006231.4(POLE):c.1781C>G (p.Thr594Ser)

Gene: POLE (DNA polymerase epsilon, catalytic subunit; minus strand). Cytogenetic location: 12q24.33.
Variant type: single nucleotide variant.
Coding change: c.1781C>G on transcript NM_006231.4 (MANE Select); coding-DNA position 1781, C replaced by G.
Protein change: p.Thr594Ser; replaces threonine 594 with serine.
Molecular consequence: missense variant.
Genome position (GRCh38, 1-based): chr12:132,672,228, G>C on the plus strand (C>G on the coding strand, the complement: POLE is on the minus strand). VCF-style: chr12-132672228-G-C. GRCh37 (hg19) VCF-style: chr12-133248814-G-C.
Other names: short protein forms T594S.
Identifiers: ClinVar variation 1780003 (VCV001780003.7), dbSNP rs574033788, ClinGen allele CA387356230.